The following is an entry in ClinVar:

NM_001430.5(EPAS1):c.2446G>T (p.Ala816Ser)

Gene: EPAS1 (endothelial PAS domain protein 1; plus strand). Cytogenetic location: 2p21.
Variant type: single nucleotide variant.
Coding change: c.2446G>T on transcript NM_001430.5 (MANE Select); coding-DNA position 2446, G replaced by T.
Protein change: p.Ala816Ser; replaces alanine 816 with serine.
Molecular consequence: missense variant.
Genome position (GRCh38, 1-based): chr2:46,382,583, G>T. VCF-style: chr2-46382583-G-T. GRCh37 (hg19) VCF-style: chr2-46609722-G-T.
Other names: short protein forms A816S.
Identifiers: ClinVar variation 1791400 (VCV001791400.2), dbSNP rs2103678513, ClinGen allele CA346706431.
Genomic context (GRCh38, chr2:46,382,583, plus strand): 5'-AAGAGCAGGTTCCCCCCACAGTGCTACGCCACCCAGTACCAGGACTACAGCCTGTCGTCA[G>T]CCCACAAGGTGTCAGGTGGGTGTGCCCAGGATCTGTCACCCCCATCCCAGGATTCGATGC-3'
Protein context (NP_001421.2, residues 806-826): TQYQDYSLSS[Ala816Ser]HKVSGMASRL

ClinVar aggregate classification (germline): Uncertain significance (1 of 4 stars; one submission).

Conditions:
Inborn genetic diseases. Identifiers: MedGen C0950123, MeSH D030342.

Submission:

Ambry Genetics
Classification: Uncertain significance for Inborn genetic diseases. Last evaluated: 2021-07-29. Review status: criteria provided, single submitter. Criteria: Ambry Variant Classification Scheme 2023. Collection method: clinical testing. Allele origin: germline.
Comment: The p.A816S variant (also known as c.2446G>T), located in coding exon 15 of the EPAS1 gene, results from a G to T substitution at nucleotide position 2446. The alanine at codon 816 is replaced by serine, an amino acid with similar properties. This amino acid position is conserved. In addition, this alteration is predicted to be tolerated by in silico analysis. Since supporting evidence is limited at this time, the clinical significance of this alteration remains unclear.